The following is an entry in ClinVar:

ClinVar aggregate classification (germline): Benign (0 of 4 stars; one submission).

Conditions:
FSIP2-related disorder. Also called: FSIP2-related condition.

Allele frequency attached by ClinVar (database versions not stated): 1000 Genomes Project 0.03474; 1000 Genomes Project 30x 0.03529; gnomAD 0.05497; TOPMed 0.05585; ExAC 0.06618; gnomAD exomes 0.07670.
gnomAD v4.1: 114,354 of 1,535,016 alleles (7.4%); highest among the groups gnomAD compares: Middle Eastern, 11%; 4,877 homozygotes.

Submission:

PreventionGenetics, part of Exact Sciences
Classification: Benign for FSIP2-related condition. Last evaluated: 2019-12-05. Review status: no assertion criteria provided. Collection method: clinical testing. Allele origin: germline.
Comment: This variant is classified as benign based on ACMG/AMP sequence variant interpretation guidelines (Richards et al. 2015 PMID: 25741868, with internal and published modifications).

NM_173651.4(FSIP2):c.9704G>A (p.Cys3235Tyr)

Genes: FSIP2 (fibrous sheath interacting protein 2; plus strand), FSIP2-AS1 (FSIP2 antisense RNA 1; minus strand). Cytogenetic location: 2q32.1.
Variant type: single nucleotide variant.
Coding change: c.9704G>A on transcript NM_173651.4 (MANE Select); coding-DNA position 9704, G replaced by A.
Protein change: p.Cys3235Tyr; replaces cysteine 3235 with tyrosine.
Molecular consequence: missense variant.
Genome position (GRCh38, 1-based): chr2:185,796,840, G>A. VCF-style: chr2-185796840-G-A. GRCh37 (hg19) VCF-style: chr2-186661567-G-A.
Other names: short protein forms C3235Y.
Identifiers: ClinVar variation 3055383 (VCV003055383.2), dbSNP rs12999160, ClinGen allele CA2016876.
Genomic context (GRCh38, chr2:185,796,840, plus strand): 5'-AAGACACAGTTAAAAACTCAGAGCCAACGAAAAGGCCTGATTCAGAAACTATGCCATCGT[G>A]TTCTACTAGAAACAAAGTACAAGACCACAGACCAAGGGAATCTAACTTTGGTAGTTTTGA-3'
Protein context (NP_775922.3, residues 3225-3245): KRPDSETMPS[Cys3235Tyr]STRNKVQDHR